The following is an entry in ClinVar:

NM_002522.4(NPTX1):c.162C>T (p.Leu54=)

Gene: NPTX1 (neuronal pentraxin 1; minus strand). Cytogenetic location: 17q25.3.
Variant type: single nucleotide variant.
Coding change: c.162C>T on transcript NM_002522.4 (MANE Select); coding-DNA position 162, C replaced by T.
Protein change: p.Leu54=; no amino-acid change (leucine 54 retained).
Molecular consequence: synonymous variant.
Genome position (GRCh38, 1-based): chr17:80,476,285, G>A on the plus strand (C>T on the coding strand, the complement: NPTX1 is on the minus strand). VCF-style: chr17-80476285-G-A. GRCh37 (hg19) VCF-style: chr17-78450085-G-A.
Identifiers: ClinVar variation 4872297 (VCV004872297.2).

ClinVar aggregate classification (germline): Likely benign (1 of 4 stars; one submission).

gnomAD v4.1: 25 of 1,563,202 alleles (0.0016%); highest among the groups gnomAD compares: Non-Finnish European, 0.0022%; no homozygotes.

Submission:

CeGaT Center for Human Genetics Tuebingen
Classification: Likely benign. Last evaluated: 2026-04-01. Review status: criteria provided, single submitter. Criteria: CeGaT Center For Human Genetics Tuebingen Variant Classification Criteria Version 2. Collection method: clinical testing. Allele origin: germline. Affected: yes. Observed: 1 variant allele.
Comment: NPTX1: BP4, BP7